The following is an entry in ClinVar:

ClinVar aggregate classification (germline): Uncertain significance. Review status: criteria provided, multiple submitters, no conflicts (2 of 4 stars). 3 submissions from 3 submitters: Uncertain significance (3). Last evaluated 2024-06-29.

Conditions:
Hereditary cancer-predisposing syndrome. Also called: Hereditary neoplastic syndrome; Neoplastic Syndromes, Hereditary; Tumor predisposition; Hereditary Cancer Syndrome. Identifiers: Orphanet 140162, MedGen C0027672, MeSH D009386, MONDO:0015356.
Microcephaly, normal intelligence and immunodeficiency (NBS). Also called: IMMUNODEFICIENCY, MICROCEPHALY, AND CHROMOSOMAL INSTABILITY; SEEMANOVA SYNDROME II; Nijmegen breakage syndrome; Microcephaly with normal intelligence immunodeficiency and lymphoreticular malignancies; Nonsyndromal microcephaly autosomal recessive with normal intelligence; Seemanova syndrome 2. Identifiers: Orphanet 647, MedGen C0398791, MONDO:0009623, OMIM 251260.

Submissions (3):

Ambry Genetics
Classification: Uncertain significance for Hereditary cancer-predisposing syndrome. Last evaluated: 2024-06-29. Review status: criteria provided, single submitter. Criteria: Ambry Variant Classification Scheme 2023. Collection method: clinical testing. Allele origin: germline.
Comment: The p.H235D variant (also known as c.703C>G) is located in coding exon 7 of the NBN gene. The histidine at codon 235 is replaced by aspartic acid, an amino acid with similar properties. This change occurs in the first base pair of coding exon 7. This amino acid position is well conserved in available vertebrate species. In addition, the in silico prediction for this alteration is inconclusive. Since supporting evidence is limited at this time, the clinical significance of this alteration remains unclear.

Genome-Nilou Lab
Classification: Uncertain significance for Microcephaly, normal intelligence and immunodeficiency. Last evaluated: 2021-11-07. Review status: criteria provided, single submitter. Criteria: ACMG Guidelines, 2015. Collection method: clinical testing. Allele origin: germline. Affected: no.

Labcorp Genetics (formerly Invitae), Labcorp
Classification: Uncertain significance for Microcephaly, normal intelligence and immunodeficiency. Last evaluated: 2021-08-26. Review status: criteria provided, single submitter. Criteria: Invitae Variant Classification Sherloc (09022015). Collection method: clinical testing. Allele origin: germline.

NM_002485.5(NBN):c.703C>G (p.His235Asp)

Gene: NBN (nibrin; minus strand). Cytogenetic location: 8q21.3.
Variant type: single nucleotide variant.
Coding change: c.703C>G on transcript NM_002485.5 (MANE Select); coding-DNA position 703, C replaced by G.
Protein change: p.His235Asp; replaces histidine 235 with aspartic acid.
Molecular consequence: missense variant.
Genome position (GRCh38, 1-based): chr8:89,970,557, G>C on the plus strand (C>G on the coding strand, the complement: NBN is on the minus strand). VCF-style: chr8-89970557-G-C. GRCh37 (hg19) VCF-style: chr8-90982785-G-C.
Other names: c.457C>G, p.His153Asp (NM_001024688.3); short protein forms H235D, H153D.
Identifiers: ClinVar variation 481864 (VCV000481864.13), dbSNP rs1554564044, ClinGen allele CA371658903.